The following is an entry in ClinVar:

ClinVar aggregate classification (germline): Pathogenic (1 of 4 stars; one submission).

Submission:

Labcorp Genetics (formerly Invitae), Labcorp
Classification: Pathogenic. Last evaluated: 2024-12-04. Review status: criteria provided, single submitter. Criteria: Invitae Variant Classification Sherloc (09022015). Collection method: clinical testing. Allele origin: germline.
Comment: This sequence change creates a premature translational stop signal (p.Leu439Thrfs*8) in the C7 gene. It is expected to result in an absent or disrupted protein product. Loss-of-function variants in C7 are known to be pathogenic (PMID: 9856499, 17407100). This variant is not present in population databases (gnomAD no frequency). This variant has not been reported in the literature in individuals affected with C7-related conditions. For these reasons, this variant has been classified as Pathogenic.

Literature cited by the submitters: PubMed 9856499; PubMed 17407100.

NM_000587.4(C7):c.1314dup (p.Leu439fs)

Gene: C7 (complement C7; plus strand). Cytogenetic location: 5p13.1.
Variant type: Duplication.
Coding change: c.1314dup on transcript NM_000587.4 (MANE Select); coding-DNA position 1314, one base duplicated (A; older notation c.1314dupA).
Protein change: p.Leu439fs; shifts the reading frame from leucine 439.
Molecular consequence: frameshift variant.
Genome position (GRCh38, 1-based): chr5:40,958,086, A duplicated; the last of 6 consecutive A bases (chr5:40,958,081-40,958,086); duplicating any one gives the same sequence. VCF-style (leftmost placement, unchanged base first): chr5-40958080-G-GA. GRCh37 (hg19) VCF-style: chr5-40958182-G-GA.
Other names: short protein forms L439fs.
Identifiers: ClinVar variation 3686989 (VCV003686989.2).